The following is an entry in ClinVar:

ClinVar aggregate classification (germline): Uncertain significance (1 of 4 stars; one submission).

Conditions:
Autosomal recessive mendelian susceptibility to mycobacterial diseases due to complete RORgamma receptor deficiency. Also called: Immunodeficiency 42. Identifiers: Orphanet 477857, MedGen C5567647, MONDO:0014710, OMIM 616622.

Allele frequency attached by ClinVar (database versions not stated): gnomAD exomes below 0.00001; TOPMed below 0.00001; gnomAD 0.00001.
gnomAD v4.1: 3 of 1,530,262 alleles (0.0002%); highest among the groups gnomAD compares: Non-Finnish European, 0.00026%; no homozygotes.

Submission:

Labcorp Genetics (formerly Invitae), Labcorp
Classification: Uncertain significance for Autosomal recessive mendelian susceptibility to mycobacterial diseases due to complete RORgamma receptor deficiency. Last evaluated: 2022-01-16. Review status: criteria provided, single submitter. Criteria: Invitae Variant Classification Sherloc (09022015). Collection method: clinical testing. Allele origin: germline.
Comment: This sequence change replaces arginine, which is basic and polar, with cysteine, which is neutral and slightly polar, at codon 105 of the RORC protein (p.Arg105Cys). This variant is not present in population databases (gnomAD no frequency). This variant has not been reported in the literature in individuals affected with RORC-related conditions. Algorithms developed to predict the effect of missense changes on protein structure and function (SIFT, PolyPhen-2, Align-GVGD) all suggest that this variant is likely to be disruptive. In summary, the available evidence is currently insufficient to determine the role of this variant in disease. Therefore, it has been classified as a Variant of Uncertain Significance.

NM_005060.4(RORC):c.313C>T (p.Arg105Cys)

Gene: RORC (RAR related orphan receptor C; minus strand). Cytogenetic location: 1q21.3.
Variant type: single nucleotide variant.
Coding change: c.313C>T on transcript NM_005060.4 (MANE Select); coding-DNA position 313, C replaced by T.
Protein change: p.Arg105Cys; replaces arginine 105 with cysteine.
Molecular consequence: missense variant.
Genome position (GRCh38, 1-based): chr1:151,815,411, G>A on the plus strand (C>T on the coding strand, the complement: RORC is on the minus strand). VCF-style: chr1-151815411-G-A. GRCh37 (hg19) VCF-style: chr1-151787887-G-A.
Other names: c.250C>T, p.Arg84Cys (NM_001001523.2); short protein forms R84C, R105C.
Identifiers: ClinVar variation 1988368 (VCV001988368.1), dbSNP rs1651720413, ClinGen allele CA342017669.